The following is an entry in ClinVar:

NM_000059.4(BRCA2):c.849dup (p.Gly284fs)

Gene: BRCA2 (BRCA2 DNA repair associated; plus strand). Cytogenetic location: 13q13.1.
Variant type: Duplication.
Coding change: c.849dup on transcript NM_000059.4 (MANE Select); coding-DNA position 849, one base duplicated (T; older notation c.849dupT).
Protein change: p.Gly284fs; shifts the reading frame from glycine 284.
Molecular consequence: frameshift variant.
Genome position (GRCh38, 1-based): chr13:32,332,327, T duplicated; the last of 2 consecutive T bases (chr13:32,332,326-32,332,327); duplicating either gives the same sequence. VCF-style (leftmost placement, unchanged base first): chr13-32332325-A-AT. GRCh37 (hg19) VCF-style: chr13-32906462-A-AT.
Other names: short protein forms G284fs.
Identifiers: ClinVar variation 4813039 (VCV004813039.1).

ClinVar aggregate classification (germline): Pathogenic (1 of 4 stars; one submission).

Conditions:
Breast-ovarian cancer, familial, susceptibility to, 2 (BROVCA2). Also called: BRCA2 Hereditary Breast and Ovarian Cancer. Identifiers: Orphanet 145, MedGen C2675520, MONDO:0012933, OMIM 612555. Disease mechanism: loss of function.

Submission:

Myriad Genetics, Inc.
Classification: Pathogenic for Breast-ovarian cancer, familial, susceptibility to, 2. Last evaluated: 2025-10-14. Review status: criteria provided, single submitter. Criteria: Myriad Autosomal Dominant, Autosomal Recessive and X-Linked Classification Criteria (2023). Collection method: clinical testing. Allele origin: unknown.
Comment: This variant is considered pathogenic. This variant creates a frameshift predicted to result in premature protein truncation.